The following is an entry in ClinVar:

ClinVar aggregate classification (germline): Benign/Likely benign. Review status: criteria provided, multiple submitters, no conflicts (2 of 4 stars). 8 submissions from 8 submitters: Benign (3); Likely benign (4). 1 of the submissions does not count toward it. Last evaluated 2026-07-01.

Conditions:
PDZD7-related disorder. Also called: PDZD7-related disorders; PDZD7-related condition.

Submissions (8):

CeGaT Center for Human Genetics Tuebingen
Classification: Benign. Last evaluated: 2026-07-01. Review status: criteria provided, single submitter. Criteria: CeGaT Center For Human Genetics Tuebingen Variant Classification Criteria Version 2. Collection method: clinical testing. Allele origin: germline. Affected: yes. Observed: 22 variant alleles.
Comment: PDZD7: BS1, BS2

Labcorp Genetics (formerly Invitae), Labcorp
Classification: Benign. Last evaluated: 2026-02-03. Review status: criteria provided, single submitter. Criteria: Invitae Variant Classification Sherloc (09022015). Collection method: clinical testing. Allele origin: germline.

Blueprint Genetics
Classification: Likely benign. Last evaluated: 2024-11-26. Review status: criteria provided, single submitter. Criteria: ACMG Guidelines, 2015. Collection method: clinical testing. Allele origin: germline.

GeneDx
Classification: Benign. Last evaluated: 2019-09-13. Review status: criteria provided, single submitter. Criteria: GeneDx Variant Classification Process June 2021. Collection method: clinical testing. Allele origin: germline. Affected: yes.
Comment: This variant is associated with the following publications: (PMID: 27068579)

Athena Diagnostics
Classification: Likely benign. Last evaluated: 2018-11-26. Review status: criteria provided, single submitter. Criteria: Athena Diagnostics Criteria. Collection method: clinical testing. Allele origin: germline.

Eurofins Ntd Llc (ga)
Classification: Likely benign. Last evaluated: 2015-02-20. Review status: criteria provided, single submitter. Criteria: EGL Classification Definitions 2015. Collection method: clinical testing. Allele origin: germline. Observed: 1 variant allele, 1 heterozygote.

Laboratory for Molecular Medicine, Mass General Brigham Personalized Medicine
Classification: Likely benign. Last evaluated: 2013-03-09. Review status: criteria provided, single submitter. Criteria: LMM Criteria. Collection method: clinical testing. Allele origin: germline. Observed: 5 variant alleles.
Comment: The Arg779_Ser784del variant in PDZD7 has not been reported in the literature no r previously identified by our laboratory.The frequency of this variant in large European American and African American populations sequenced by the NHLBI Exome Sequencing Project was not reported becaus e coverage at this position was insufficient or unavailable. This in-frame delet ion lies in a variable Arg-Ser repeat region that is not conserved in species in cluding other primates. Furthermore, there is inconclusive evidence as to the ro le of the PDZD7 gene in hearing loss with only one case report suggesting PDZD7 could cause nonsyndromic hearing loss based upon a patient with a homozygous tra nslocation that disrupts the long alternate isoform of PDZD7 (Schneider 2009). I n summary, this variant is likely benign based on its presence in a variable rep eat region, lack of conservation across species, and limited evidence supporting a role of PDZD7 in hearing loss.

PreventionGenetics, part of Exact Sciences
Classification: Benign for PDZD7-related condition. Last evaluated: 2020-11-30. Review status: no assertion criteria provided. Collection method: clinical testing. Allele origin: germline. Not counted in ClinVar's aggregate classification.
Comment: This variant is classified as benign based on ACMG/AMP sequence variant interpretation guidelines (Richards et al. 2015 PMID: 25741868, with internal and published modifications).

Literature cited by the submitters: PubMed 27068579 (cited by Athena Diagnostics).

NM_001195263.2(PDZD7):c.2319_2336del (p.773_774RS[3])

Gene: PDZD7 (PDZ domain containing 7; minus strand). Cytogenetic location: 10q24.31.
Variant type: Deletion.
Coding change: c.2319_2336del on transcript NM_001195263.2 (MANE Select); coding-DNA positions 2319 to 2336, 18 bases deleted (TAGCCGCAGCCGTAGCCG).
Protein change: p.773_774RS[3].
Genome position (GRCh38, 1-based): chr10:101,010,553-101,010,570, CGGCTACGGCTGCGGCTA deleted on the plus strand (TAGCCGCAGCCGTAGCCG on the coding strand, the reverse complement: PDZD7 is on the minus strand); deleting any 18 consecutive bases within chr10:101,010,553-101,010,575 gives the same sequence; the c. name uses the placement nearest the transcript's 3' end. VCF-style (leftmost placement, unchanged base first): chr10-101010552-GCGGCTACGGCTGCGGCTA-G. GRCh37 (hg19) VCF-style: chr10-102770309-GCGGCTACGGCTGCGGCTA-G.
Other names: c.2319_2336del18 (NM_001195263.1).
Identifiers: ClinVar variation 44125 (VCV000044125.52), dbSNP rs397516634, ClinGen allele CA133629.